The following is an entry in ClinVar:

ClinVar aggregate classification (germline): Likely benign. Review status: reviewed by expert panel (3 of 4 stars). 3 submissions from 3 submitters: Likely benign (1). 2 of the submissions do not count toward it. Last evaluated 2023-02-26.

Conditions:
Familial adenomatous polyposis 1 (FAP1). Also called: FAMILIAL ADENOMATOUS POLYPOSIS 1, ATTENUATED; POLYPOSIS, ADENOMATOUS INTESTINAL. Identifiers: MedGen C2713442, MONDO:0021056, OMIM 175100. Disease mechanism: loss of function.
Hereditary cancer-predisposing syndrome. Also called: Tumor predisposition; Hereditary Cancer Syndrome; Hereditary neoplastic syndrome; Neoplastic Syndromes, Hereditary. Identifiers: Orphanet 140162, MedGen C0027672, MeSH D009386, MONDO:0015356.

Allele frequency attached by ClinVar (database versions not stated): TOPMed below 0.00001.
gnomAD v4.1: 1 of 1,602,624 alleles (0.000062%); highest among the groups gnomAD compares: Non-Finnish European, 0.000085%; no homozygotes.

Submissions (3):

ClinGen InSiGHT Hereditary Colorectal Cancer/Polyposis Variant Curation Expert Panel
Classification: Likely benign for Familial adenomatous polyposis 1. Last evaluated: 2023-02-26. Review status: reviewed by expert panel. Criteria: ClinGen InSiGHT HCCP VCEP ACMG Specifications APC V1. Collection method: curation. Allele origin: germline. Inheritance: Autosomal dominant inheritance.
Comment: The c.8438C>A variant in APC is a missense variant predicted to cause the substitution of Threonine by Lysine at amino acid position 2813 (p.Thr2813Lys). This variant has been observed in more than 3 individuals with no features or family history of FAP, which is worth 3 healthy individual points (BS2_supporting; Invitae and Ambry internal data). APC is defined by the ClinGen InSiGHT Hereditary Colorectal Cancer/Polyposis Variant Curation Expert Panel (HCCP VCEP) as a gene for which primarily truncating variants are known to cause disease (BP1). This variant is absent from gnomAD v2.1.1 (PM2_supporting). In summary, this variant meets the criteria to be classified as Likely Benign for FAP. Although there are both pathogenic and benign types of evidence for this variant, the pathogenic evidence is not considered inconsistent with the final classification. ACMG/AMP criteria applied, as specified by the HCCP VCEP: BS2_supporting, and BP1. (VCEP specifications version 1; date of approval: 12/12/2022).

Ambry Genetics
Classification: Uncertain significance for Hereditary cancer-predisposing syndrome. Last evaluated: 2025-06-02. Review status: criteria provided, single submitter. Criteria: Ambry Variant Classification Scheme 2023. Collection method: clinical testing. Allele origin: germline. Not counted in ClinVar's aggregate classification.
Comment: The p.T2813K variant (also known as c.8438C>A), located in coding exon 15 of the APC gene, results from a C to A substitution at nucleotide position 8438. The threonine at codon 2813 is replaced by lysine, an amino acid with similar properties. This amino acid position is well conserved in available vertebrate species. In addition, in silico predictors for this gene do not accurately predict pathogenicity. Missense alterations in APC are not a common cause of disease (Spier I et al. Genet Med. 2024 Feb;26(2):100992). Since supporting evidence is limited at this time, the clinical significance of this alteration remains unclear.

Labcorp Genetics (formerly Invitae), Labcorp
Classification: Uncertain significance for Familial adenomatous polyposis 1. Last evaluated: 2019-06-21. Review status: criteria provided, single submitter. Criteria: Invitae Variant Classification Sherloc (09022015). Collection method: clinical testing. Allele origin: germline. Not counted in ClinVar's aggregate classification.
Comment: In summary, this variant has uncertain impact on APC function. The available evidence is currently insufficient to determine its role in disease. Therefore, it has been classified as a Variant of Uncertain Significance. Algorithms developed to predict the effect of missense changes on protein structure and function do not agree on the potential impact of this missense change (SIFT: "Deleterious"; PolyPhen-2: "Benign"; Align-GVGD: "Class C0"). This variant has not been reported in the literature in individuals with a APC-related disease. ClinVar contains an entry for this variant (Variation ID: 411374). This variant is not present in population databases (ExAC no frequency). This sequence change replaces threonine with lysine at codon 2813 of the APC protein (p.Thr2813Lys). The threonine residue is highly conserved and there is a moderate physicochemical difference between threonine and lysine.

NM_000038.6(APC):c.8438C>A (p.Thr2813Lys)

Gene: APC (APC regulator of Wnt signaling pathway; plus strand). Cytogenetic location: 5q22.2.
Variant type: single nucleotide variant.
Coding change: c.8438C>A on transcript NM_000038.6 (MANE Select); coding-DNA position 8438, C replaced by A.
Protein change: p.Thr2813Lys; replaces threonine 2813 with lysine.
Molecular consequence: missense variant.
Genome position (GRCh38, 1-based): chr5:112,844,032, C>A. VCF-style: chr5-112844032-C-A. GRCh37 (hg19) VCF-style: chr5-112179729-C-A.
Other names: NM_000038.6(APC):c.8438C>A; p.Thr2813Lys; c.8438C>A, p.Thr2813Lys (NM_001127510.3, NM_001354895.2); c.8384C>A, p.Thr2795Lys (NM_001127511.3); c.8492C>A, p.Thr2831Lys (NM_001354896.2); c.8468C>A, p.Thr2823Lys (NM_001354897.2); c.8363C>A, p.Thr2788Lys (NM_001354898.2); c.8354C>A, p.Thr2785Lys (NM_001354899.2); and 7 more; short protein forms T2813K, T2795K, T2687K, T2712K, T2722K, T2785K, T2530K, T2653K.
Identifiers: ClinVar variation 411374 (VCV000411374.18), dbSNP rs1060503275, ClinGen allele CA16039637.
Genomic context (GRCh38, chr5:112,844,032, plus strand): 5'-GCAGCGCAGATAGCACTTCAGCTCGGCCATCTCAGATCCCAACTCCAGTGAATAACAACA[C>A]AAAGAAGCGAGATTCCAAAACTGACAGCACAGAATCCAGTGGAACCCAAAGTCCTAAGCG-3'
Protein context (NP_000029.2, residues 2803-2823): SQIPTPVNNN[Thr2813Lys]KKRDSKTDST